The following is an entry in ClinVar:

ClinVar aggregate classification (germline): Uncertain significance (1 of 4 stars; one submission).

Conditions:
Cardiovascular phenotype. Identifiers: MedGen CN230736.

gnomAD v4.1: 3 of 1,610,260 alleles (0.00019%); highest among the groups gnomAD compares: Non-Finnish European, 0.00025%; no homozygotes.

Submission:

Ambry Genetics
Classification: Uncertain significance for Cardiovascular phenotype. Last evaluated: 2025-06-23. Review status: criteria provided, single submitter. Criteria: Ambry Variant Classification Scheme 2023. Collection method: clinical testing. Allele origin: germline.
Comment: The p.D4N variant (also known as c.10G>A), located in coding exon 1 of the MYPN gene, results from a G to A substitution at nucleotide position 10. The aspartic acid at codon 4 is replaced by asparagine, an amino acid with highly similar properties. This amino acid position is conserved. In addition, this alteration is predicted to be tolerated by in silico analysis. Based on the available evidence, the clinical significance of this variant remains unclear.

NM_032578.4(MYPN):c.10G>A (p.Asp4Asn)

Gene: MYPN (myopalladin; plus strand). Cytogenetic location: 10q21.3.
Variant type: single nucleotide variant.
Coding change: c.10G>A on transcript NM_032578.4 (MANE Select); coding-DNA position 10, G replaced by A.
Protein change: p.Asp4Asn; replaces aspartic acid 4 with asparagine.
Molecular consequence: missense variant. On other transcripts: 5 prime UTR variant (1), non-coding transcript variant (1).
Genome position (GRCh38, 1-based): chr10:68,121,448, G>A. VCF-style: chr10-68121448-G-A. GRCh37 (hg19) VCF-style: chr10-69881205-G-A.
Other names: c.10G>A, p.Asp4Asn (NM_001256267.2); c.-1113G>A (NM_001256268.2); short protein forms D4N.
Identifiers: ClinVar variation 4116160 (VCV004116160.1).